The following is an entry in ClinVar:

NM_007118.4(TRIO):c.3851A>G (p.Glu1284Gly)

Gene: TRIO (trio Rho guanine nucleotide exchange factor; plus strand). Cytogenetic location: 5p15.2.
Variant type: single nucleotide variant.
Coding change: c.3851A>G on transcript NM_007118.4 (MANE Select); coding-DNA position 3851, A replaced by G.
Protein change: p.Glu1284Gly; replaces glutamic acid 1284 with glycine.
Molecular consequence: missense variant. On other transcripts: non-coding transcript variant (1).
Genome position (GRCh38, 1-based): chr5:14,387,817, A>G. VCF-style: chr5-14387817-A-G. GRCh37 (hg19) VCF-style: chr5-14387926-A-G.
Other names: short protein forms E1284G.
Identifiers: ClinVar variation 3392917 (VCV003392917.1).
Genomic context (GRCh38, chr5:14,387,817, plus strand): 5'-TTCCAGCCAGTATCCCTGGCTCAGAGGTGAAACTTCGAGATGCTGCTCATGAACTTAATG[A>G]AGAGAAGCGGAAATCTGCCCGCAGGAAAGAGTAAGCCAGTCTTTCAGAATCTACCAGGAT-3'
Protein context (NP_009049.2, residues 1274-1294): KLRDAAHELN[Glu1284Gly]EKRKSARRKE

ClinVar aggregate classification (germline): Uncertain significance (1 of 4 stars; one submission).

Submission:

GeneDx
Classification: Uncertain significance. Last evaluated: 2024-06-26. Review status: criteria provided, single submitter. Criteria: GeneDx Variant Classification Process June 2021. Collection method: clinical testing. Allele origin: germline. Affected: yes.
Comment: Not observed at significant frequency in large population cohorts (gnomAD); In silico analysis supports that this missense variant has a deleterious effect on protein structure/function; Has not been previously published as pathogenic or benign to our knowledge